The following is an entry in ClinVar:

ClinVar aggregate classification (germline): Pathogenic (1 of 4 stars; one submission).

Conditions:
Osteogenesis imperfecta type I (OI1). Also called: Lobstein's Disease; Lobstein disease; Classic Non-deforming Osteogenesis Imperfecta with Blue Sclerae; OI, TYPE I; OSTEOGENESIS IMPERFECTA TARDA; OSTEOGENESIS IMPERFECTA WITH BLUE SCLERAE. Identifiers: Orphanet 216796, Orphanet 666, MedGen C0023931, MONDO:0008146, OMIM 166200. Disease mechanism: loss of function.

Submission:

Labcorp Genetics (formerly Invitae), Labcorp
Classification: Pathogenic for Osteogenesis imperfecta type I. Last evaluated: 2024-06-26. Review status: criteria provided, single submitter. Criteria: Invitae Variant Classification Sherloc (09022015). Collection method: clinical testing. Allele origin: germline.
Comment: This sequence change creates a premature translational stop signal (p.Cys1291*) in the COL1A1 gene. It is expected to result in an absent or disrupted protein product. Loss-of-function variants in COL1A1 are known to be pathogenic (PMID: 7942841, 9295084, 9443882). This variant is not present in population databases (gnomAD no frequency). This variant has not been reported in the literature in individuals affected with COL1A1-related conditions. For these reasons, this variant has been classified as Pathogenic.

Literature cited by the submitters: PubMed 7942841; PubMed 9295084; PubMed 9443882.

NM_000088.4(COL1A1):c.3873C>A (p.Cys1291Ter)

Gene: COL1A1 (collagen type I alpha 1 chain; minus strand). Cytogenetic location: 17q21.33.
Variant type: single nucleotide variant.
Coding change: c.3873C>A on transcript NM_000088.4 (MANE Select); coding-DNA position 3873, C replaced by A.
Protein change: p.Cys1291Ter; replaces cysteine 1291 with a stop codon.
Molecular consequence: nonsense.
Genome position (GRCh38, 1-based): chr17:50,186,449, G>T on the plus strand (C>A on the coding strand, the complement: COL1A1 is on the minus strand). VCF-style: chr17-50186449-G-T. GRCh37 (hg19) VCF-style: chr17-48263810-G-T.
Other names: short protein forms C1291*.
Identifiers: ClinVar variation 3658028 (VCV003658028.2).